The following is an entry in ClinVar:

NM_014336.5(AIPL1):c.589G>C (p.Ala197Pro)

Gene: AIPL1 (AIP like 1 HSP90 co-chaperone; minus strand). Cytogenetic location: 17p13.2.
Variant type: single nucleotide variant.
Coding change: c.589G>C on transcript NM_014336.5 (MANE Select); coding-DNA position 589, G replaced by C.
Protein change: p.Ala197Pro; replaces alanine 197 with proline.
Molecular consequence: missense variant.
Genome position (GRCh38, 1-based): chr17:6,426,934, C>G on the plus strand (G>C on the coding strand, the complement: AIPL1 is on the minus strand). VCF-style: chr17-6426934-C-G. GRCh37 (hg19) VCF-style: chr17-6330254-C-G.
Other names: NM_014336.5(AIPL1):c.589G>C; p.Ala197Pro; c.400G>C, p.Ala134Pro (NM_001033054.3); c.409G>C, p.Ala137Pro (NM_001033055.3); c.553G>C, p.Ala185Pro (NM_001285399.3); c.523G>C, p.Ala175Pro (NM_001285400.3); c.589G>C, p.Ala197Pro (NM_001285401.3); c.472G>C, p.Ala158Pro (NM_001285402.2); and 1 more; short protein forms A197P, A175P, A134P, A158P, A185P, A137P, A189P.
Identifiers: ClinVar variation 65709 (VCV000065709.5), dbSNP rs62637010, ClinGen allele CA227886.

ClinVar aggregate classification (germline): Pathogenic. Review status: reviewed by expert panel (3 of 4 stars). 5 submissions from 5 submitters: Pathogenic (1). 4 of the submissions do not count toward it. Last evaluated 2025-09-29.

Conditions:
AIPL1-related retinopathy. Also called: AIPL1 retinopathy. Identifiers: MedGen CN305590, MONDO:0100438.
Leber congenital amaurosis (LCA). Also called: Leber's amaurosis. Identifiers: Orphanet 65, MedGen C0339527, MeSH D057130, MONDO:0018998.
Leber congenital amaurosis 4 (LCA4). Identifiers: MedGen C1858386, MONDO:0011458, OMIM 604393.

Submissions (5):

ClinGen Leber Congenital Amaurosis/early Onset Retinal Dystrophy Variant Curation Expert Panel, ClinGen
Classification: Pathogenic for AIPL1-related retinopathy. Last evaluated: 2025-09-29. Review status: reviewed by expert panel. Criteria: ClinGen LCAeoRD ACMG Specifications AIPL1 V1.0.0. Collection method: curation. Allele origin: germline. Inheritance: Autosomal recessive inheritance.
Comment: NM_014336.5(AIPL1):c.589G>C (p.Ala197Pro) is a missense variant replacing the alanine at position p.197 with proline. This variant is absent from gnomAD v4.1.0 (PM2_Supporting). The computational predictor REVEL gives a score of 0.969, which is above the ClinGen LCA / eoRD VCEP threshold of ≥0.93 and predicts a damaging effect on AIPL1 function (PP3_Strong). This variant has been reported in 2 probands with early-onset severe retinal dystrophy who were homozygous for the variant (PMIDs 10873396, 15024725). (1 point, PM3). At least one proband harboring this variant exhibits a phenotype including a diagnosis of LCA (0.5 pts) with severe visual impairment from birth or during early infancy (1 pt) accompanied by nystagmus (1 pt), absent or very sluggish pupillary responses (0.5 pts), and absent or markedly reduced electroretinogram responses from both rods (0.5 pts) and cones (1 pt), which together are specific for AIPL1-related retinopathy (total 4.5 points, PMID: 10873396, PP4). The variant has been reported to segregate with childhood-onset severe retinal dystrophy through the proband plus at least 3 similarly affected relatives, with the variant present in the homozygous state (PP1_Strong; PMID: 10873396). In summary, this variant meets the criteria to be classified as Pathogenic for AIPL1-related retinopathy based on the ACMG/AMP criteria applied, as specified by the ClinGen LCA/eoRD VCEP: PM2_Supporting, PP3_Strong, PM3, PP4, and PP1_Strong. (VCEP specifications version 1.0.0; date of approval 09/24/2025).

Women's Health and Genetics/Laboratory Corporation of America, LabCorp
Classification: Pathogenic for Leber congenital amaurosis. Last evaluated: 2025-06-18. Review status: criteria provided, single submitter. Criteria: LabCorp Variant Classification Summary - May 2015. Collection method: clinical testing. Allele origin: germline. Not counted in ClinVar's aggregate classification.
Comment: Variant summary: AIPL1 c.589G>C (p.Ala197Pro) results in a non-conservative amino acid change in the encoded protein sequence. Algorithms developed to predict the effect of missense changes on protein structure and function all suggest that this variant is likely to be disruptive. The variant was absent in 251468 control chromosomes. c.589G>C has been observed the homozygous state in multiple individuals affected with Leber Congenital Amaurosis from one family where it segregated with disease (Sohocki_2000). These data indicate that the variant is very likely to be associated with disease. At least two publications reports experimental evidence that this variant has an impact on protein function (Hidalgo-de_Quintana_2015, van der Spuy_2004). The following publications have been ascertained in the context of this evaluation (PMID: 25799540, 10873396, 15347646). ClinVar contains an entry for this variant (Variation ID: 65709). Based on the evidence outlined above, the variant was classified as pathogenic.

GeneReviews
No classification provided. Condition: Leber congenital amaurosis 4. Review status: no classification provided. Collection method: literature only. Allele origin: unknown. Not counted in ClinVar's aggregate classification.

Laboratory of Genetics in Ophthalmology, Institut Imagine
Classification: Pathogenic for Leber congenital amaurosis 4. Review status: no assertion criteria provided. Collection method: research. Allele origin: inherited. Affected: yes. Observed: 1 variant allele. Not counted in ClinVar's aggregate classification.

Retina International
No classification provided. Review status: no classification provided. Collection method: not provided. Allele origin: not provided. Not counted in ClinVar's aggregate classification.

Literature cited by the submitters: PubMed 15347646 (cited by Women's Health and Genetics/Laboratory Corporation of America, LabCorp); PubMed 25799540 (cited by Women's Health and Genetics/Laboratory Corporation of America, LabCorp); PubMed 10873396 (cited by Women's Health and Genetics/Laboratory Corporation of America, LabCorp and Laboratory of Genetics in Ophthalmology, Institut Imagine); PubMed 20301475 (cited by GeneReviews); NCBI Bookshelf NBK1298 (cited by GeneReviews).